The following is an entry in ClinVar:

NM_201384.3(PLEC):c.12545C>T (p.Thr4182Ile)

Gene: PLEC (plectin; minus strand). Cytogenetic location: 8q24.3.
Variant type: single nucleotide variant.
Coding change: c.12545C>T on transcript NM_201384.3 (MANE Select); coding-DNA position 12545, C replaced by T.
Protein change: p.Thr4182Ile; replaces threonine 4182 with isoleucine.
Molecular consequence: missense variant.
Genome position (GRCh38, 1-based): chr8:143,917,276, G>A on the plus strand (C>T on the coding strand, the complement: PLEC is on the minus strand). VCF-style: chr8-143917276-G-A. GRCh37 (hg19) VCF-style: chr8-144991444-G-A.
Other names: c.12626C>T, p.Thr4209Ile (NM_000445.5); c.9245C>T, p.Thr3082Ile (NM_001410941.1); c.12503C>T, p.Thr4168Ile (NM_201378.4); c.12479C>T, p.Thr4160Ile (NM_201379.3); c.12956C>T, p.Thr4319Ile (NM_201380.4); c.12449C>T, p.Thr4150Ile (NM_201381.3); c.12545C>T, p.Thr4182Ile (NM_201382.4); c.12557C>T, p.Thr4186Ile (NM_201383.3); short protein forms T3082I, T4168I, T4186I, T4182I, T4209I, T4150I, T4319I, T4160I.
Identifiers: ClinVar variation 4793737 (VCV004793737.1).

ClinVar aggregate classification (germline): Uncertain significance (1 of 4 stars; one submission).

Conditions:
Epidermolysis bullosa simplex 5B, with muscular dystrophy (EBS5B). Also called: EPIDERMOLYSIS BULLOSA SIMPLEX AND LIMB-GIRDLE MUSCULAR DYSTROPHY; Epidermolysis bullosa simplex with muscular dystrophy. Identifiers: Orphanet 257, MedGen C2931072, MONDO:0009181, OMIM 226670.
Epidermolysis bullosa simplex, Ogna type (EBS5A). Also called: Pidermolysis bullosa simplex 5A, Ogna type; EPIDERMOLYSIS BULLOSA SIMPLEX 5A, OGNA TYPE. Identifiers: Orphanet 79401, MedGen C0432317, MONDO:0007555, OMIM 131950.
Epidermolysis bullosa simplex 5C, with pyloric atresia (EBS5C). Also called: Epidermolysis bullosa simplex with pyloric atresia; PLEC-Related Epidermolysis Bullosa with Pyloric Atresia; PLEC1-Related Epidermolysis Bullosa with Pyloric Atresia. Identifiers: Orphanet 158684, MedGen C2677349, MONDO:0012807, OMIM 612138.
Autosomal recessive limb-girdle muscular dystrophy type 2Q (LGMDR17). Also called: MUSCULAR DYSTROPHY, LIMB-GIRDLE, AUTOSOMAL RECESSIVE 17. Identifiers: Orphanet 254361, MedGen C3150989, MONDO:0013390, OMIM 613723.
Epidermolysis bullosa simplex with nail dystrophy (EBS5D). Identifiers: MedGen C4225309, MONDO:0014661, OMIM 616487.

Submission:

Labcorp Genetics (formerly Invitae), Labcorp
Classification: Uncertain significance for Autosomal recessive limb-girdle muscular dystrophy type 2Q; Epidermolysis bullosa simplex, Ogna type; Epidermolysis bullosa simplex with nail dystrophy; Epidermolysis bullosa simplex 5C, with pyloric atresia; Epidermolysis bullosa simplex 5B, with muscular dystrophy. Last evaluated: 2025-08-18. Review status: criteria provided, single submitter. Criteria: Invitae Variant Classification Sherloc (09022015). Collection method: clinical testing. Allele origin: germline.
Comment: This sequence change replaces threonine, which is neutral and polar, with isoleucine, which is neutral and non-polar, at codon 4209 of the PLEC protein (p.Thr4209Ile). This variant is present in population databases (rs782514412, gnomAD 0.007%). This variant has not been reported in the literature in individuals affected with PLEC-related conditions. Invitae Evidence Modeling of protein sequence and biophysical properties (such as structural, functional, and spatial information, amino acid conservation, physicochemical variation, residue mobility, and thermodynamic stability) indicates that this missense variant is not expected to disrupt PLEC protein function with a negative predictive value of 80%. In summary, the available evidence is currently insufficient to determine the role of this variant in disease. Therefore, it has been classified as a Variant of Uncertain Significance.